The following is an entry in ClinVar:

NM_007129.5(ZIC2):c.718_720del (p.Pro240del)

Gene: ZIC2 (Zic family zinc finger 2; plus strand). Cytogenetic location: 13q32.3.
Variant type: Deletion.
Coding change: c.718_720del on transcript NM_007129.5 (MANE Select); coding-DNA positions 718 to 720, 3 bases deleted (CCC; older notation c.718_720delCCC).
Protein change: p.Pro240del; deletes proline 240.
Molecular consequence: inframe deletion.
Genome position (GRCh38, 1-based): chr13:99,982,782-99,982,784, CCC deleted; deleting any 3 consecutive bases within chr13:99,982,781-99,982,784 gives the same sequence; the c. name uses the placement nearest the transcript's 3' end. VCF-style (leftmost placement, unchanged base first): chr13-99982780-ACCC-A. GRCh37 (hg19) VCF-style: chr13-100635034-ACCC-A.
Other names: c.718_720delCCC (NM_007129.3); short protein forms P240del.
Identifiers: ClinVar variation 1699220 (VCV001699220.6), dbSNP rs957547266, ClinGen allele CA255394802.

ClinVar aggregate classification (germline): Uncertain significance. Review status: criteria provided, multiple submitters, no conflicts (2 of 4 stars). 3 submissions from 3 submitters: Uncertain significance (3). Last evaluated 2025-04-11.

Conditions:
ZIC2-related disorder. Also called: ZIC2-related condition.
Holoprosencephaly 5 (HPE5). Identifiers: Orphanet 2162, MedGen C1864827, MONDO:0012322, OMIM 609637.

Submissions (3):

PreventionGenetics, part of Exact Sciences
Classification: Uncertain significance for ZIC2-related condition. Last evaluated: 2025-04-11. Review status: criteria provided, single submitter. Criteria: ACMG Guidelines, 2015. Collection method: clinical testing. Allele origin: germline.
Comment: The ZIC2 c.718_720delCCC variant is predicted to result in an in-frame deletion (p.Pro240del). To our knowledge, this variant has not been reported in the literature. This variant has been reported in one heterozygous individual within the ‘other’ subpopulation in gnomAD. At this time, the clinical significance of this variant is uncertain due to the absence of conclusive functional and genetic evidence.

Labcorp Genetics (formerly Invitae), Labcorp
Classification: Uncertain significance for Holoprosencephaly 5. Last evaluated: 2024-12-27. Review status: criteria provided, single submitter. Criteria: Invitae Variant Classification Sherloc (09022015). Collection method: clinical testing. Allele origin: germline.
Comment: This variant, c.718_720del, results in the deletion of 1 amino acid(s) of the ZIC2 protein (p.Pro240del), but otherwise preserves the integrity of the reading frame. This variant is not present in population databases (gnomAD no frequency). This variant has been observed in individual(s) with holoprosencephaly (PMID: 15221788). ClinVar contains an entry for this variant (Variation ID: 1699220). Experimental studies and prediction algorithms are not available or were not evaluated, and the functional significance of this variant is currently unknown. In summary, the available evidence is currently insufficient to determine the role of this variant in disease. Therefore, it has been classified as a Variant of Uncertain Significance.

Victorian Clinical Genetics Services, Murdoch Childrens Research Institute
Classification: Uncertain significance for Holoprosencephaly 5. Last evaluated: 2022-06-24. Review status: criteria provided, single submitter. Criteria: ACMG Guidelines, 2015. Collection method: clinical testing. Allele origin: germline. Inheritance: Autosomal dominant inheritance.
Comment: Based on the classification scheme VCGS_Germline_v1.3.4, this variant is classified as VUS-3B. Following criteria are met: 0103 - Loss of function and gain of function are known mechanisms of disease in this gene and are associated with holoprosencephaly 5 (MIM#609637). Missense variants and changes to the polyAla tract have been observed to result in either loss of function or gain in transactivational activity (DECIPHER, PMID: 15590697). 0107 - This gene is associated with autosomal dominant disease. (I) 0214 - In-frame insertion/deletion fully contained in a non-repetitive region that has moderate conservation. (I) 0251 - This variant is heterozygous. (I) 0302 - Variant is present in gnomAD (v2) <0.001 for a dominant condition (1 heterozygote, 0 homozygotes). (SP) 0604 - Variant is not located in an established domain, motif, hotspot or informative constraint region. (I) 0705 - No comparable inframe variants have previous evidence for pathogenicity. (I) 0807 - This variant has no previous evidence of pathogenicity. (I) 0905 - No published segregation evidence has been identified for this variant. (I) 1007 - No published functional evidence has been identified for this variant. (I) 1208 - Inheritance information for this variant is not currently available in this individual. (I) Legend: (SP) - Supporting pathogenic, (I) - Information, (SB) - Supporting benign

Literature cited by the submitters: PubMed 15221788 (cited by Labcorp Genetics (formerly Invitae), Labcorp); PubMed 15590697 (cited by Victorian Clinical Genetics Services, Murdoch Childrens Research Institute).